The following is an entry in ClinVar:

NM_001360016.2(G6PD):c.242G>A (p.Arg81His)

Gene: G6PD (glucose-6-phosphate dehydrogenase; minus strand). Cytogenetic location: Xq28.
Variant type: single nucleotide variant.
Coding change: c.242G>A on transcript NM_001360016.2 (MANE Select); coding-DNA position 242, G replaced by A.
Protein change: p.Arg81His; replaces arginine 81 with histidine.
Molecular consequence: missense variant.
Genome position (GRCh38, 1-based): chrX:154,535,962, C>T on the plus strand (G>A on the coding strand, the complement: G6PD is on the minus strand). VCF-style: chrX-154535962-C-T. GRCh37 (hg19) VCF-style: chrX-153764177-C-T.
Other names: G6PD Lagosanto; c.332G>A, p.Arg111His (NM_000402.4); c.242G>A, p.Arg81His (NM_001042351.3); short protein forms R111H, R81H.
Identifiers: ClinVar variation 1512245 (VCV001512245.10), dbSNP rs782308266, ClinGen allele CA10566296.

ClinVar aggregate classification (germline): Conflicting classifications of pathogenicity. Review status: criteria provided, conflicting classifications (1 of 4 stars). 4 submissions from 4 submitters: Pathogenic (1); Likely pathogenic (1); Uncertain significance (2). Last evaluated 2025-05-21.

Conditions:
Anemia, nonspherocytic hemolytic, due to G6PD deficiency (CNSHA1). Also called: Hemolytic anemia due to G6PD deficiency; Class I glucose-6-phosphate dehydrogenase deficiency; Favism, susceptibility to; ANEMIA, CONGENITAL, NONSPHEROCYTIC HEMOLYTIC, 1. Identifiers: Orphanet 466026, MedGen C2720289, MONDO:0010480, OMIM 300908.

Allele frequency attached by ClinVar (database versions not stated): ExAC 0.00001; gnomAD 0.00001; gnomAD exomes 0.00001; TOPMed 0.00001.
gnomAD v4.1: 7 of 1,208,958 alleles (0.00058%); highest among the groups gnomAD compares: African/African-American, 0.0017%; no homozygotes.

Submissions (4):

Labcorp Genetics (formerly Invitae), Labcorp
Classification: Uncertain significance for Anemia, nonspherocytic hemolytic, due to G6PD deficiency. Last evaluated: 2025-05-21. Review status: criteria provided, single submitter. Criteria: Invitae Variant Classification Sherloc (09022015). Collection method: clinical testing. Allele origin: germline.
Comment: This sequence change replaces arginine, which is basic and polar, with histidine, which is basic and polar, at codon 81 of the G6PD protein (p.Arg81His). This variant is present in population databases (rs782308266, gnomAD 0.001%). This missense change has been observed in individual(s) with glucose-6-phosphate dehydrogenase deficiency (PMID: 8370579). This variant is also known as G6PD Lagosanto. ClinVar contains an entry for this variant (Variation ID: 1512245). Invitae Evidence Modeling of protein sequence and biophysical properties (such as structural, functional, and spatial information, amino acid conservation, physicochemical variation, residue mobility, and thermodynamic stability) indicates that this missense variant is expected to disrupt G6PD protein function with a positive predictive value of 80%. This variant disrupts the p.Arg81 amino acid residue in G6PD. Other variant(s) that disrupt this residue have been determined to be pathogenic (PMID: 511159, 7440223, 20621077). This suggests that this residue is clinically significant, and that variants that disrupt this residue are likely to be disease-causing. In summary, the available evidence is currently insufficient to determine the role of this variant in disease. Therefore, it has been classified as a Variant of Uncertain Significance.

Women's Health and Genetics/Laboratory Corporation of America, LabCorp
Classification: Uncertain significance. Last evaluated: 2024-11-01. Review status: criteria provided, single submitter. Criteria: LabCorp Variant Classification Summary - May 2015. Collection method: clinical testing. Allele origin: germline.
Comment: Variant summary: G6PD c.332G>A (p.Arg111His) (also described as c.242G>A/p.Arg81His in NM_001042351) results in a non-conservative amino acid change located in the Glucose-6-phosphate dehydrogenase, NAD-binding domain (IPR022674) of the encoded protein sequence. Four of five in-silico tools predict a damaging effect of the variant on protein function. The variant allele was found at a frequency of 5.5e-06 in 182918 control chromosomes (gnomAD). c.332G>A has been reported in the literature in individuals affected with Glucose 6 Phosphate Dehydrogenase Deficiency (Ninfali_1993, Aggarwal_2020). These data indicate that the variant may be associated with disease. At least one publication reports experimental evidence evaluating an impact on protein function, finding that the variant resulted in 45% of normal enzymatic activity (Ninfali_1993). The following publications have been ascertained in the context of this evaluation (PMID: 8364584, 8370579, 31602632). ClinVar contains an entry for this variant (Variation ID: 1512245). Based on the evidence outlined above, the variant was classified as VUS-possibly pathogenic.

Dunham Lab, University of Washington
Classification: Likely pathogenic for Anemia, nonspherocytic hemolytic, due to G6PD deficiency. Last evaluated: 2022-08-12. Review status: criteria provided, single submitter. Criteria: Bayesian ACMG Guidelines, 2018. Collection method: curation. Allele origin: unknown. Affected: yes.
Comment: Decreased activity in red blood cells of hemizygote (45%) (PS3). Modeling predicts disruption of function (PP3). Below expected carrier frequency in gnomAD (PM2). Post_P 0.975 (odds of pathogenicity 350.3, Prior_P 0.1).

Mendelics
Classification: Pathogenic for Anemia, nonspherocytic hemolytic, due to G6PD deficiency. Last evaluated: 2022-05-04. Review status: criteria provided, single submitter. Criteria: Mendelics Assertion Criteria 2019. Collection method: clinical testing. Allele origin: germline.

Literature cited by the submitters: PubMed 8370579 (cited by 3 submitters); PubMed 511159 (cited by Labcorp Genetics (formerly Invitae), Labcorp); PubMed 7440223 (cited by Labcorp Genetics (formerly Invitae), Labcorp); PubMed 20621077 (cited by Labcorp Genetics (formerly Invitae), Labcorp); PubMed 31602632 (cited by Women's Health and Genetics/Laboratory Corporation of America, LabCorp); PubMed 8364584 (cited by Women's Health and Genetics/Laboratory Corporation of America, LabCorp).